The following is an entry in ClinVar:

ClinVar aggregate classification (germline): Pathogenic (1 of 4 stars; one submission).

Conditions:
Neurofibromatosis, type 1 (NF1). Also called: Neurofibromatosis, type I; Peripheral type neurofibromatosis; VON RECKLINGHAUSEN DISEASE; NEUROFIBROMATOSIS, TYPE I, SOMATIC. Identifiers: Orphanet 636, MedGen C0027831, MONDO:0018975, OMIM 162200. Disease mechanism: loss of function.

Submission:

Labcorp Genetics (formerly Invitae), Labcorp
Classification: Pathogenic for Neurofibromatosis, type 1. Last evaluated: 2022-07-13. Review status: criteria provided, single submitter. Criteria: Invitae Variant Classification Sherloc (09022015). Collection method: clinical testing. Allele origin: germline.
Comment: This sequence change affects a donor splice site in intron 35 of the NF1 gene. It is expected to disrupt RNA splicing. Variants that disrupt the donor or acceptor splice site typically lead to a loss of protein function (PMID: 16199547), and loss-of-function variants in NF1 are known to be pathogenic (PMID: 10712197, 23913538). For these reasons, this variant has been classified as Pathogenic. Algorithms developed to predict the effect of sequence changes on RNA splicing suggest that this variant may disrupt the consensus splice site. Disruption of this splice site has been observed in individual(s) with neurofibromatosis type I (PMID: 23913538; Invitae). This variant is not present in population databases (gnomAD no frequency).

Literature cited by the submitters: PubMed 16199547; PubMed 10712197; PubMed 23913538.

NM_001042492.3(NF1):c.4835+1G>C

Gene: NF1 (neurofibromin 1; plus strand). Cytogenetic location: 17q11.2.
Variant type: single nucleotide variant.
Coding change: c.4835+1G>C on transcript NM_001042492.3 (MANE Select); the canonical splice donor site of the intron after coding-DNA position 4835, G replaced by C.
Molecular consequence: splice donor variant.
Genome position (GRCh38, 1-based): chr17:31,265,340, G>C. VCF-style: chr17-31265340-G-C. GRCh37 (hg19) VCF-style: chr17-29592358-G-C.
Other names: c.4772+1G>C (NM_000267.4).
Identifiers: ClinVar variation 2016515 (VCV002016515.4), dbSNP rs1085307819, ClinGen allele CA399001393.